The following is an entry in ClinVar:

NM_000243.3(MEFV):c.451A>T (p.Arg151Trp)

Gene: MEFV (MEFV innate immunity regulator, pyrin; minus strand). Cytogenetic location: 16p13.3.
Variant type: single nucleotide variant.
Coding change: c.451A>T on transcript NM_000243.3 (MANE Select); coding-DNA position 451, A replaced by T.
Protein change: p.Arg151Trp; replaces arginine 151 with tryptophan.
Molecular consequence: missense variant. On other transcripts: intron variant (1).
Genome position (GRCh38, 1-based): chr16:3,254,617, T>A on the plus strand (A>T on the coding strand, the complement: MEFV is on the minus strand). VCF-style: chr16-3254617-T-A. GRCh37 (hg19) VCF-style: chr16-3304617-T-A.
Other names: c.277+1694A>T (NM_001198536.2); short protein forms R151W.
Identifiers: ClinVar variation 2134219 (VCV002134219.4), dbSNP rs754940931, ClinGen allele CA394481439.
Genomic context (GRCh38, chr16:3,254,617, plus strand): 5'-CGTCCAGGCCCTCCGAGGCCTTCTCTCTGCGTTTGCTCAGGGGCTTCCTCGACAGCCCCC[T>A]CCCGGCCTCGGGCTGGCTGCACCGCAGGCTGGCAGCTCCGCCCCCGTACGGCCGAGGGCC-3'
Protein context (NP_000234.1, residues 141-161): SLRCSQPEAG[Arg151Trp]GLSRKPLSKR

ClinVar aggregate classification (germline): Uncertain significance (1 of 4 stars; one submission).

Conditions:
Familial Mediterranean fever (FMF). Also called: POLYSEROSITIS, FAMILIAL PAROXYSMAL; POLYSEROSITIS, RECURRENT; Periodic peritonitis; Benign paroxysmal peritonitis. Identifiers: Orphanet 342, MedGen C0031069, MONDO:0018088, OMIM 249100. Disease mechanism: gain of function.

Submission:

Labcorp Genetics (formerly Invitae), Labcorp
Classification: Uncertain significance for Familial Mediterranean fever. Last evaluated: 2022-05-05. Review status: criteria provided, single submitter. Criteria: Invitae Variant Classification Sherloc (09022015). Collection method: clinical testing. Allele origin: germline.
Comment: In summary, the available evidence is currently insufficient to determine the role of this variant in disease. Therefore, it has been classified as a Variant of Uncertain Significance. This sequence change replaces arginine, which is basic and polar, with tryptophan, which is neutral and slightly polar, at codon 151 of the MEFV protein (p.Arg151Trp). This variant is not present in population databases (gnomAD no frequency). This variant has not been reported in the literature in individuals affected with MEFV-related conditions. Algorithms developed to predict the effect of missense changes on protein structure and function are either unavailable or do not agree on the potential impact of this missense change (SIFT: "Deleterious"; PolyPhen-2: "Probably Damaging"; Align-GVGD: "Class C0").